The following is an entry in ClinVar:

NC_000002.12:g.(?_174747592)_(174754414_?)del

Genes: CHRNA1 (cholinergic receptor nicotinic alpha 1 subunit; minus strand), LOC129935149 (ATAC-STARR-seq lymphoblastoid active region 16786; plus strand), LOC129935150 (ATAC-STARR-seq lymphoblastoid silent region 12130; plus strand). Cytogenetic location: 2q31.1.
Variant type: Deletion.
Identifiers: ClinVar variation 466174 (VCV000466174.1).

ClinVar aggregate classification (germline): Pathogenic (1 of 4 stars; one submission).

Conditions:
Lethal multiple pterygium syndrome (LMPS). Identifiers: Orphanet 33108, MedGen C1854678, MONDO:0009668, OMIM 253290.

Submission:

Labcorp Genetics (formerly Invitae), Labcorp
Classification: Pathogenic for Lethal multiple pterygium syndrome. Last evaluated: 2016-12-14. Review status: criteria provided, single submitter. Criteria: Invitae Variant Classification Sherloc (09022015). Collection method: clinical testing. Allele origin: germline.
Comment: This variant is a gross deletion of the genomic region encompassing exons 5-9 of the CHRNA1 gene. The 5' boundary is likely confined to intron 4. The 3' end of this event is unknown as it extends through the termination codon beyond the assayed region for this gene and may encompass additional genes. While this deletion is not anticipated to result in nonsense mediated decay, it is expected to create a truncated protein product or disrupt mRNA translation. While this particular variant has not been reported in the literature, truncating variants in CHRNA1 are known to cause autosomal recessive congenital myasthenic syndrome (PMID: 14719537). This truncation eliminates multiple conserved functional regions (transmembrane, cytoplasmic) of the CHRNA1 protein (PMID: 25348405, 22728938) and a high percentage of previously reported CHRNA1 missense mutations have been found in the truncated region (PMID: 14719537,Â¬â€ 27748205, 10195214). These observations suggest that this truncation will result in a non-functional CHRNA1 protein product. For these reasons, this variant has been classified as Pathogenic.